The following is an entry in ClinVar:

ClinVar aggregate classification (germline): Benign. Review status: criteria provided, multiple submitters, no conflicts (2 of 4 stars). 13 submissions from 13 submitters: Benign (11). 2 of the submissions do not count toward it. Last evaluated 2026-01-15.

Conditions:
POLD1-related polyposis and colorectal cancer syndrome (CRCS10). Also called: Colorectal cancer, susceptibility to, 10; Colorectal cancer 10; COLORECTAL CANCER, SUSCEPTIBILITY TO, ON CHROMOSOME 19q. Identifiers: Orphanet 220460, MedGen C2675481, MONDO:0012953, OMIM 612591.
Familial colorectal cancer type X. Identifiers: Orphanet 440437, MedGen C3896578, MONDO:0018604.
Polymerase proofreading-related adenomatous polyposis. Also called: Polymerase proofreading associated polyposis; Polymerase proofreading–associated polyposis (PPAP). Identifiers: Orphanet 447877, MedGen C5202613, MONDO:0018653.
Hereditary cancer-predisposing syndrome. Also called: Neoplastic Syndromes, Hereditary; Hereditary neoplastic syndrome; Hereditary Cancer Syndrome; Tumor predisposition. Identifiers: Orphanet 140162, MedGen C0027672, MeSH D009386, MONDO:0015356.

Allele frequency attached by ClinVar (database versions not stated): gnomAD exomes 0.00220 and 0.00629; ExAC 0.00743; gnomAD 0.02402 and 0.02570; ESP Exome Variant Server 0.02637; TOPMed 0.02682; 1000 Genomes Project 0.02716; 1000 Genomes Project 30x 0.02920.

Submissions (13):

Labcorp Genetics (formerly Invitae), Labcorp
Classification: Benign for POLD1-related polyposis and colorectal cancer syndrome. Last evaluated: 2026-01-15. Review status: criteria provided, single submitter. Criteria: Invitae Variant Classification Sherloc (09022015). Collection method: clinical testing. Allele origin: germline.

Institute for Biomarker Research, Medical Diagnostic Laboratories, L.L.C.
Classification: Benign for Hereditary cancer-predisposing syndrome. Last evaluated: 2025-06-30. Review status: criteria provided, single submitter. Criteria: ACMG Guidelines, 2015. Collection method: clinical testing. Allele origin: germline.
Comment: The intron variant NM_001308632.1(POLD1):c.463+9C>T has been reported to ClinVar as Benign with a status of (2 stars) criteria provided, multiple submitters, no conflicts (Variation ID 380235 as of 2025-06-05). The variant is observed in one or more well-documented healthy adults. The c.463+9C>T variant is not predicted to disrupt the existing donor splice site 7bp upstream by any splice site algorithm. The c.463+9C>T variant results in a substitution of a base that is not predicted conserved by GERP++ and PhyloP. For these reasons, this variant has been classified as Benign.

Center for Genomic Medicine, Rigshospitalet, Copenhagen University Hospital
Classification: Benign. Last evaluated: 2025-03-04. Review status: criteria provided, single submitter. Criteria: ACMG Guidelines, 2015. Collection method: clinical testing. Allele origin: germline.

ARUP Laboratories, Molecular Genetics and Genomics, ARUP Laboratories
Classification: Benign. Last evaluated: 2024-12-26. Review status: criteria provided, single submitter. Criteria: ARUP Molecular Germline Variant Investigation Process 2024. Collection method: clinical testing. Allele origin: germline.

Department of Pathology and Laboratory Medicine, Sinai Health System
Classification: Benign for Polymerase proofreading-related adenomatous polyposis; Familial colorectal cancer type X. Last evaluated: 2023-10-03. Review status: criteria provided, single submitter. Criteria: ACMG Guidelines, 2015. Collection method: clinical testing. Allele origin: germline. Affected: yes.

PreventionGenetics, part of Exact Sciences
Classification: Benign. Last evaluated: 2016-12-12. Review status: criteria provided, single submitter. Criteria: ACMG Guidelines, 2015. Collection method: clinical testing. Allele origin: germline.

Quest Diagnostics Nichols Institute San Juan Capistrano
Classification: Benign. Last evaluated: 2016-08-04. Review status: criteria provided, single submitter. Criteria: Quest Diagnostics criteria. Collection method: clinical testing. Allele origin: germline.

Women's Health and Genetics/Laboratory Corporation of America, LabCorp
Classification: Benign. Last evaluated: 2016-05-17. Review status: criteria provided, single submitter. Criteria: LabCorp Variant Classification Summary - May 2015. Collection method: clinical testing. Allele origin: germline.
Comment: Variant summary: The POLD1 c.463+9C>T variant involves the alteration of a non-conserved intronic nucleotide with 5/5 splice prediction tools predict no significant impact on normal splicing. However, these predictions have yet to be confirmed by functional studies. This variant was found in 901/121202 control chromosomes (39 homozygotes), predominantly observed in the African subpopulation at a frequency of 0.0801541 (832/10380). This frequency is about 5643 times the estimated maximal expected allele frequency of a pathogenic POLD1 variant (0.0000142), suggesting this is likely a benign polymorphism found primarily in the populations of African origin. The variant of interest has not, to our knowledge, been reported in affected individuals via publications and/or reputable databases/clinical diagnostic laboratories; nor evaluated for functional impact by in vivo/vitro studies. Taken together, considering the high allele frequency of this variant in the African population, this variant is classified as benign.

GeneDx
Classification: Benign. Last evaluated: 2015-12-17. Review status: criteria provided, single submitter. Criteria: GeneDx Variant Classification (06012015). Collection method: clinical testing. Allele origin: germline. Affected: yes.
Comment: This variant is considered likely benign or benign based on one or more of the following criteria: it is a conservative change, it occurs at a poorly conserved position in the protein, it is predicted to be benign by multiple in silico algorithms, and/or has population frequency not consistent with disease.

Ambry Genetics
Classification: Benign for Hereditary cancer-predisposing syndrome. Last evaluated: 2015-05-20. Review status: criteria provided, single submitter. Criteria: Ambry Variant Classification Scheme 2023. Collection method: clinical testing. Allele origin: germline.

Breakthrough Genomics
Classification: Benign. Review status: criteria provided, single submitter. Criteria: ACMG Guidelines, 2015. Collection method: not provided. Allele origin: germline. Inheritance: Autosomal dominant inheritance. Affected: yes.

Clinical Genetics, Academic Medical Center
Classification: Benign. Review status: no assertion criteria provided. Collection method: clinical testing. Allele origin: germline. Affected: yes. Study: VKGL Data-share Consensus. Not counted in ClinVar's aggregate classification.

Genome Diagnostics Laboratory, Amsterdam University Medical Center
Classification: Benign. Review status: no assertion criteria provided. Collection method: clinical testing. Allele origin: germline. Affected: yes. Study: VKGL Data-share Consensus. Not counted in ClinVar's aggregate classification.

NM_002691.4(POLD1):c.463+9C>T

Gene: POLD1 (DNA polymerase delta 1, catalytic subunit; plus strand). Cytogenetic location: 19q13.33.
Variant type: single nucleotide variant.
Coding change: c.463+9C>T on transcript NM_002691.4 (MANE Select); 9 bases into the intron after coding-DNA position 463, C replaced by T.
Molecular consequence: intron variant.
Genome position (GRCh38, 1-based): chr19:50,401,933, C>T. VCF-style: chr19-50401933-C-T. GRCh37 (hg19) VCF-style: chr19-50905190-C-T.
Other names: c.463+9C>T (LRG_785t1, NM_001256849.1, NM_001308632.1 and 1 more transcripts).
Identifiers: ClinVar variation 380235 (VCV000380235.37), dbSNP rs1673046, ClinGen allele CA9595740.
Genomic context (GRCh38, chr19:50,401,933, plus strand): 5'-TGCTGCCACATCCACGGCTTCGCTCCCTACTTCTACACCCCAGCGCCCCCTGGTGAGTGG[C>T]CCCTACCCAGCCCCTCCCTGAGCCACTGGAGCCCCCTGCACCTCTGATCATCCCTCCCAC-3'